The following is an entry in ClinVar:

NM_000322.5(PRPH2):c.394del (p.Gln132fs)

Gene: PRPH2 (peripherin 2; minus strand). Cytogenetic location: 6p21.1.
Variant type: Deletion.
Coding change: c.394del on transcript NM_000322.5 (MANE Select); coding-DNA position 394, one base deleted (C; older notation c.394delC).
Protein change: p.Gln132fs; shifts the reading frame from glutamine 132.
Molecular consequence: frameshift variant.
Genome position (GRCh38, 1-based): chr6:42,721,941, G deleted on the plus strand (C on the coding strand, the reverse complement: PRPH2 is on the minus strand); the first of 2 consecutive G bases (chr6:42,721,941-42,721,942); deleting either gives the same sequence. VCF-style (leftmost placement, unchanged base first): chr6-42721940-TG-T. GRCh37 (hg19) VCF-style: chr6-42689678-TG-T.
Other names: c.394delC (NM_000322.4); short protein forms Q132fs.
Identifiers: ClinVar variation 684461 (VCV000684461.17), dbSNP rs769723975, ClinGen allele CA3808623.
Genomic context (GRCh38, chr6:42,721,940, plus strand): 5'-ATGAAACACCTGCCAGGGGTGTCTGTGTCCCGGTAGTACTTCATGCCGTTCTTGAGCCCT[TG>T]GCCCAGGGTGTTCTCCAGCGAGCCCCGAAGCAGAAAGCAGCAGAGAGCCACAAGGAAGAG-3'

ClinVar aggregate classification (germline): Pathogenic. Review status: criteria provided, multiple submitters, no conflicts (2 of 4 stars). 6 submissions from 6 submitters: Pathogenic (5). 1 of the submissions does not count toward it. Last evaluated 2025-03-18.

Conditions:
PRPH2-related disorder. Also called: PRPH2-related disorders; PRPH2-related condition. Identifiers: MedGen CN239395.
Retinal dystrophy. Also called: Inherited retinal dystrophy. Identifiers: Orphanet 71862, MedGen C0854723, MeSH D058499, MONDO:0019118, HP:0000556.
Primary immunodeficiency or monogenic inflammatory bowel disease.
Retinitis pigmentosa (RP). Identifiers: Orphanet 791, MedGen C0035334, MeSH D012174, MONDO:0019200, OMIM 268000. Inheritance: Autosomal dominant, autosomal recessive and X linked inheritance.
Stargardt disease (FFM). Also called: Stargardt's disease; Fundus flavimaculatus. Identifiers: Orphanet 827, MedGen C0271093, MONDO:0019353.

Submissions (6):

North West Genomic Laboratory Hub, Manchester University NHS Foundation Trust
Classification: Pathogenic for Primary immunodeficiency or monogenic inflammatory bowel disease. Last evaluated: 2025-03-18. Review status: criteria provided, single submitter. Criteria: ACGS Best Practice Guidelines for Variant Classification in Rare Disease 2020. Collection method: clinical testing. Allele origin: germline. Affected: yes.
Comment: PVS1_VStr PS4_Str

Labcorp Genetics (formerly Invitae), Labcorp
Classification: Pathogenic for PRPH2-related disorder. Last evaluated: 2025-02-19. Review status: criteria provided, single submitter. Criteria: Invitae Variant Classification Sherloc (09022015). Collection method: clinical testing. Allele origin: germline.
Comment: This sequence change creates a premature translational stop signal (p.Gln132Lysfs*7) in the PRPH2 gene. It is expected to result in an absent or disrupted protein product. Loss-of-function variants in PRPH2 are known to be pathogenic (PMID: 8111389, 8485575, 8485576, 8675410, 16916875, 17504850, 22863181, 25675413, 26061163, 27365499, 29555955, 33546218). This variant is present in population databases (rs769723975, gnomAD 0.0009%). This premature translational stop signal has been observed in individual(s) with autosomal dominant retinitis pigmentosa (PMID: 22581970). ClinVar contains an entry for this variant (Variation ID: 684461). For these reasons, this variant has been classified as Pathogenic.

Blueprint Genetics
Classification: Pathogenic for PRPH2-related disorders. Last evaluated: 2023-10-16. Review status: criteria provided, single submitter. Criteria: ACMG Guidelines, 2015. Collection method: clinical testing. Allele origin: germline. Affected: yes. Observed: 5 variant alleles.

Institute of Human Genetics, Univ. Regensburg, Univ. Regensburg
Classification: Pathogenic for Retinal dystrophy. Last evaluated: 2023-01-01. Review status: criteria provided, single submitter. Criteria: ACMG Guidelines, 2015. Collection method: clinical testing. Allele origin: germline. Affected: yes.

NEI Ophthalmic Genomics Laboratory, National Institutes of Health
Classification: Pathogenic for Stargardt disease. Last evaluated: 2020-01-07. Review status: criteria provided, single submitter. Criteria: ACMG Guidelines, 2015. Collection method: clinical testing. Allele origin: germline. Affected: yes.
Comment: The variant NM_000322.4:c.394delC in the PRPH2 gene has been previously studied (PMID 22581970). We found this variant in 3 patient(s) in a PRPH2 cohort study (Reeves et al. 2020). This variant is listed in dbSNP and/or HGMD (rs769723975,CD1211758). It is present in gnomAD browser (AF 0.00000406). This variant is not already listed in ClinVar. It is enriched in the PRPH2 disease cohort. We invoked ACMG criteria [PVS1, PS4, PM2] and classified NM_000322.4:c.394delC in the PRPH2 gene as a Pathogenic mutation.

Leiden Open Variation Database
Classification: Pathogenic. Last evaluated: 2021-04-06. Review status: no assertion criteria provided. Collection method: curation. Allele origin: germline. Affected: yes. Not counted in ClinVar's aggregate classification.
Comment: Curator: Global Variome, with Curator vacancy. Submitter to LOVD: Manon Peeters.

Literature cited by the submitters: PubMed 8111389 (cited by Labcorp Genetics (formerly Invitae), Labcorp); PubMed 8485575 (cited by Labcorp Genetics (formerly Invitae), Labcorp); PubMed 8485576 (cited by Labcorp Genetics (formerly Invitae), Labcorp); PubMed 8675410 (cited by Labcorp Genetics (formerly Invitae), Labcorp); PubMed 16916875 (cited by Labcorp Genetics (formerly Invitae), Labcorp); PubMed 17504850 (cited by Labcorp Genetics (formerly Invitae), Labcorp); PubMed 22863181 (cited by Labcorp Genetics (formerly Invitae), Labcorp); PubMed 25675413 (cited by Labcorp Genetics (formerly Invitae), Labcorp); PubMed 26061163 (cited by Labcorp Genetics (formerly Invitae), Labcorp); PubMed 27365499 (cited by Labcorp Genetics (formerly Invitae), Labcorp); PubMed 29555955 (cited by Labcorp Genetics (formerly Invitae), Labcorp); PubMed 33546218 (cited by Labcorp Genetics (formerly Invitae), Labcorp); PubMed 22581970 (cited by Labcorp Genetics (formerly Invitae), Labcorp and Institute of Human Genetics, Univ. Regensburg, Univ. Regensburg); PubMed 31964843 (cited by Institute of Human Genetics, Univ. Regensburg, Univ. Regensburg); PubMed 32531846 (cited by Institute of Human Genetics, Univ. Regensburg, Univ. Regensburg and Leiden Open Variation Database); PubMed 34411390 (cited by Institute of Human Genetics, Univ. Regensburg, Univ. Regensburg); PubMed 24608669 (cited by Leiden Open Variation Database).